The following is an entry in ClinVar:

ClinVar aggregate classification (germline): Likely pathogenic (1 of 4 stars; one submission).

Conditions:
Nemaline myopathy 2 (NEM2). Also called: Nemaline myopathy 2, autosomal recessive. Identifiers: MedGen C1850569, MONDO:0009725, OMIM 256030.

Submission:

Natera, Inc.
Classification: Likely pathogenic for Nemaline myopathy type 2. Last evaluated: 2024-05-01. Review status: criteria provided, single submitter. Criteria: Natera Variant Classification Schema (03/2026). Collection method: clinical testing. Allele origin: germline.
Comment: The c.20677_20678delAG variant in NEB is a frameshift variant predicted to shift the reading frame beginning at codon 6894 and leads to a stop codon 5 codons downstream. This variant is expected to result in nonsense mediated decay, truncation, or a dysfunctional protein product. This variant is rare in the general population with a frequency below the threshold expected for the associated phenotype(s). Given the available evidence, this variant is classified as Likely Pathogenic.

NM_001164508.2(NEB):c.20677_20678del (p.Gln6894fs)

Gene: NEB (nebulin; minus strand). Cytogenetic location: 2q23.3.
Variant type: Microsatellite.
Coding change: c.20677_20678del on transcript NM_001164508.2 (MANE Select); coding-DNA positions 20677 to 20678, 2 bases deleted (AG; older notation c.20677_20678delAG).
Protein change: p.Gln6894fs; shifts the reading frame from glutamine 6894.
Molecular consequence: frameshift variant.
Genome position (GRCh38, 1-based): chr2:151,541,451-151,541,452, CT deleted on the plus strand (AG on the coding strand, the reverse complement: NEB is on the minus strand); deleting any 2 consecutive bases within chr2:151,541,451-151,541,454 gives the same sequence; the c. name uses the placement nearest the transcript's 3' end. VCF-style (leftmost placement, unchanged base first): chr2-151541450-ACT-A. GRCh37 (hg19) VCF-style: chr2-152397964-ACT-A.
Other names: c.20677_20678del, p.Gln6894fs (NM_001164507.2, NM_001271208.2); c.20675_20676AG[1], p.Gln6894Valfs (NM_001271208.1); c.15574_15575del, p.Gln5193fs (NM_004543.5); c.20677_20678delAG (NM_001271208.1); short protein forms Q5193fs, Q6894fs.
Identifiers: ClinVar variation 4814747 (VCV004814747.1).